The following is an entry in ClinVar:

ClinVar aggregate classification (germline): Uncertain significance (1 of 4 stars; one submission).

Allele frequency attached by ClinVar (database versions not stated): gnomAD exomes below 0.00001.

Submission:

CeGaT Center for Human Genetics Tuebingen
Classification: Uncertain significance. Last evaluated: 2022-09-01. Review status: criteria provided, single submitter. Criteria: CeGaT Center For Human Genetics Tuebingen Variant Classification Criteria Version 2. Collection method: clinical testing. Allele origin: germline. Affected: yes. Observed: 1 variant allele.
Comment: CFAP410: PM2, PP3

NM_004928.3(CFAP410):c.78-2A>G

Gene: CFAP410 (cilia and flagella associated protein 410; minus strand). Cytogenetic location: 21q22.3.
Variant type: single nucleotide variant.
Coding change: c.78-2A>G on transcript NM_004928.3 (MANE Select); the canonical splice acceptor site of the intron before coding-DNA position 78, A replaced by G.
Molecular consequence: splice acceptor variant.
Genome position (GRCh38, 1-based): chr21:44,337,669, T>C on the plus strand (A>G on the coding strand, the complement: CFAP410 is on the minus strand). VCF-style: chr21-44337669-T-C. GRCh37 (hg19) VCF-style: chr21-45757552-T-C.
Other names: c.78-2A>G (NM_001271440.2, NM_001271441.2); c.-134-2A>G (NM_001271442.1).
Identifiers: ClinVar variation 2652744 (VCV002652744.24), dbSNP rs2518067454, ClinGen allele CA410459995.